The following is an entry in ClinVar:

ClinVar aggregate classification (germline): Conflicting classifications of pathogenicity. Review status: criteria provided, conflicting classifications (1 of 4 stars). 7 submissions from 7 submitters: Uncertain significance (5); Likely benign (1). 1 of the submissions does not count toward it. Last evaluated 2024-12-09.

Conditions:
Hereditary cancer. Identifiers: MedGen C1333600.
Hereditary cancer-predisposing syndrome. Also called: Tumor predisposition; Hereditary Cancer Syndrome; Hereditary neoplastic syndrome; Neoplastic Syndromes, Hereditary. Identifiers: Orphanet 140162, MedGen C0027672, MeSH D009386, MONDO:0015356.
Familial cancer of breast. Also called: BREAST CANCER, FAMILIAL; Hereditary breast cancer; hereditary breast carcinoma. Identifiers: Orphanet 227535, MedGen C0346153, MONDO:0016419, OMIM 114480. Disease mechanism: loss of function.

Allele frequency attached by ClinVar (database versions not stated): gnomAD exomes below 0.00001; ExAC 0.00001.
gnomAD v4.1: 2 of 1,614,188 alleles (0.00012%); highest among the groups gnomAD compares: Non-Finnish European, 0.00017%; no homozygotes.

Submissions (7):

Labcorp Genetics (formerly Invitae), Labcorp
Classification: Uncertain significance for Familial cancer of breast. Last evaluated: 2024-12-09. Review status: criteria provided, single submitter. Criteria: Invitae Variant Classification Sherloc (09022015). Collection method: clinical testing. Allele origin: germline.
Comment: This sequence change replaces proline, which is neutral and non-polar, with serine, which is neutral and polar, at codon 785 of the PALB2 protein (p.Pro785Ser). This variant is present in population databases (rs730881889, gnomAD 0.0009%). This missense change has been observed in individual(s) with ovarian cancer (PMID: 26315354). ClinVar contains an entry for this variant (Variation ID: 182768). Invitae Evidence Modeling of protein sequence and biophysical properties (such as structural, functional, and spatial information, amino acid conservation, physicochemical variation, residue mobility, and thermodynamic stability) indicates that this missense variant is not expected to disrupt PALB2 protein function with a negative predictive value of 80%. In summary, the available evidence is currently insufficient to determine the role of this variant in disease. Therefore, it has been classified as a Variant of Uncertain Significance.

Mendelics
Classification: Likely benign for Hereditary cancer. Last evaluated: 2024-09-11. Review status: criteria provided, single submitter. Criteria: ACMG Guidelines, 2015. Collection method: clinical testing. Allele origin: unknown.
Comment: This variant is considered likely benign or benign based on one or more of the following: it is predicted to be benign by multiple in silico algorithms, and/or has population frequency not consistent with disease, and/or has normal protein function, and/or has lack of segregation with disease, and/or has been detected in co-occurrence with known pathogenic variant, and/or has lack of disease association in case-control studies, and/or is located in a region inconsistent with a known cause of pathogenicity.

Ambry Genetics
Classification: Uncertain significance for Hereditary cancer-predisposing syndrome. Last evaluated: 2023-04-18. Review status: criteria provided, single submitter. Criteria: Ambry Variant Classification Scheme 2023. Collection method: clinical testing. Allele origin: germline.
Comment: The p.P785S variant (also known as c.2353C>T), located in coding exon 5 of the PALB2 gene, results from a C to T substitution at nucleotide position 2353. The proline at codon 785 is replaced by serine, an amino acid with similar properties. In one study, this alteration was observed in 1/3236 cases with invasive epithelial ovarian cancer and 0/3431 controls (Ramus SJ et al. J. Natl. Cancer Inst., 2015 Nov;107:). This amino acid position is poorly conserved in available vertebrate species. In addition, this alteration is predicted to be tolerated by in silico analysis. Since supporting evidence is limited at this time, the clinical significance of this alteration remains unclear.

Myriad Genetics, Inc.
Classification: Uncertain significance for Familial cancer of breast. Last evaluated: 2023-03-30. Review status: criteria provided, single submitter. Criteria: Myriad Autosomal Dominant, Autosomal Recessive and X-Linked Classification Criteria (2023). Collection method: clinical testing. Allele origin: unknown.
Comment: This variant is classified as a variant of uncertain significance as there is insufficient evidence to determine its impact on protein function and/or cancer risk.

Color Diagnostics, LLC DBA Color Health
Classification: Uncertain significance for Hereditary cancer-predisposing syndrome. Last evaluated: 2018-12-06. Review status: criteria provided, single submitter. Criteria: ACMG Guidelines, 2015. Collection method: clinical testing. Allele origin: germline.

GeneDx
Classification: Uncertain significance. Last evaluated: 2016-03-02. Review status: criteria provided, single submitter. Criteria: GeneDx Variant Classification (06012015). Collection method: clinical testing. Allele origin: germline. Affected: yes.
Comment: This variant is denoted PALB2 c.2353C>T at the cDNA level, p.Pro785Ser (P785S) at the protein level, and results in the change of a Proline to a Serine (CCA>TCA). This variant has been observed in one individual with serous ovarian cancer and no controls (Ramus 2015). PALB2 Pro785Ser was not observed in approximately 6,500 individuals of European and African American ancestry in the NHLBI Exome Sequencing Project, indicating it is not a common benign variant in these populations. Since Proline and Serine differ in polarity, charge, size or other properties, this is considered a non-conservative amino acid substitution. PALB2 Pro785Ser occurs at a position that is not conserved and is located within the domain required for interaction with POLH and POLH DNA synthesis stimulation (UniProt). In silico analyses predict that this variant is unlikely to alter protein structure or function. Based on currently available information, it is unclear whether PALB2 Pro785Ser is pathogenic or benign. We consider it to be a variant of uncertain significance.

Counsyl
Classification: Uncertain significance for Familial cancer of breast. Last evaluated: 2018-03-23. Review status: no assertion criteria provided. Collection method: clinical testing. Allele origin: unknown. Not counted in ClinVar's aggregate classification.

Literature cited by the submitters: PubMed 26315354 (cited by 3 submitters).

NM_024675.4(PALB2):c.2353C>T (p.Pro785Ser)

Gene: PALB2 (partner and localizer of BRCA2; minus strand). Cytogenetic location: 16p12.2.
Variant type: single nucleotide variant.
Coding change: c.2353C>T on transcript NM_024675.4 (MANE Select); coding-DNA position 2353, C replaced by T.
Protein change: p.Pro785Ser; replaces proline 785 with serine.
Molecular consequence: missense variant.
Genome position (GRCh38, 1-based): chr16:23,629,801, G>A on the plus strand (C>T on the coding strand, the complement: PALB2 is on the minus strand). VCF-style: chr16-23629801-G-A. GRCh37 (hg19) VCF-style: chr16-23641122-G-A.
Other names: p.P785S:CCA>TCA; short protein forms P785S.
Identifiers: ClinVar variation 182768 (VCV000182768.25), dbSNP rs730881889, ClinGen allele CA299731.